The following is an entry in ClinVar:

NM_005205.4(COX6A2):c.117C>A (p.Ser39Arg)

Gene: COX6A2 (cytochrome c oxidase subunit 6A2; minus strand). Cytogenetic location: 16p11.2.
Variant type: single nucleotide variant.
Coding change: c.117C>A on transcript NM_005205.4 (MANE Select); coding-DNA position 117, C replaced by A.
Protein change: p.Ser39Arg; replaces serine 39 with arginine.
Molecular consequence: missense variant.
Genome position (GRCh38, 1-based): chr16:31,428,108, G>T on the plus strand (C>A on the coding strand, the complement: COX6A2 is on the minus strand). VCF-style: chr16-31428108-G-T. GRCh37 (hg19) VCF-style: chr16-31439429-G-T.
Other names: short protein forms S39R.
Identifiers: ClinVar variation 638271 (VCV000638271.3), dbSNP rs1597176845, ClinGen allele CA395707010.

ClinVar aggregate classification (germline): Likely pathogenic. Review status: criteria provided, single submitter (1 of 4 stars). 2 submissions from 2 submitters: Likely pathogenic (1). 1 of the submissions does not count toward it. Last evaluated 2020-12-04.

Conditions:
Mitochondrial complex IV deficiency, nuclear type 18. Also called: Mitochondrial complex 4 deficiency, nuclear type 18. Identifiers: MedGen C5436720, MONDO:0033653, OMIM 619062.

gnomAD v4.1: 1 of 1,566,724 alleles (0.000064%); highest among the groups gnomAD compares: East Asian, 0.0024%; no homozygotes.

Submissions (2):

SIB Swiss Institute of Bioinformatics
Classification: Likely pathogenic for Mitochondrial complex IV deficiency, nuclear type 18. Last evaluated: 2020-12-04. Review status: criteria provided, single submitter. Criteria: ACMG Guidelines, 2015. Collection method: curation. Allele origin: unknown.
Comment: This variant is interpreted as Likely pathogenic for Mitochondrial complex IV deficiency, nuclear type 18, autosomal recessive. The following ACMG Tag(s) were applied: Absent from controls (or at extremely low frequency if recessive) in Exome Sequencing Project, 1000 Genomes Project, or Exome Aggregation Consortium (PM2); Multiple lines of computational evidence support a deleterious effect on the gene or gene product (PP3); For recessive disorders, detected in trans with a pathogenic variant (PM3 downgraded to supporting); Well-established functional studies show a deleterious effect (PS3 downgraded to moderate).

OMIM
Classification: Pathogenic for MITOCHONDRIAL COMPLEX IV DEFICIENCY, NUCLEAR TYPE 18. Last evaluated: 2020-10-23. Review status: no assertion criteria provided. Collection method: literature only. Allele origin: germline. Not counted in ClinVar's aggregate classification.

Literature cited by the submitters: PubMed 31155743 (cited by SIB Swiss Institute of Bioinformatics and OMIM).